The following is an entry in ClinVar:

NM_001039591.3(USP9X):c.539C>T (p.Pro180Leu)

Gene: USP9X (ubiquitin specific peptidase 9 X-linked; plus strand). Cytogenetic location: Xp11.4.
Variant type: single nucleotide variant.
Coding change: c.539C>T on transcript NM_001039591.3 (MANE Select); coding-DNA position 539, C replaced by T.
Protein change: p.Pro180Leu; replaces proline 180 with leucine.
Molecular consequence: missense variant.
Genome position (GRCh38, 1-based): chrX:41,136,907, C>T. VCF-style: chrX-41136907-C-T. GRCh37 (hg19) VCF-style: chrX-40996160-C-T.
Other names: c.539C>T, p.Pro180Leu (NM_001039590.3, NM_001410748.1, NM_001410749.1); short protein forms P180L.
Identifiers: ClinVar variation 3256592 (VCV003256592.1).

ClinVar aggregate classification (germline): Likely pathogenic (1 of 4 stars; one submission).

Conditions:
Intellectual developmental disorder, X-linked 99. Also called: Intellectual disability, X-linked 99. Identifiers: Orphanet 777, MedGen C3806746, MONDO:0010487, OMIM 300919.

Submission:

Laboratory of Medical Genetics, National & Kapodistrian University of Athens
Classification: Likely pathogenic for Intellectual developmental disorder, X-linked 99. Last evaluated: 2023-09-18. Review status: criteria provided, single submitter. Criteria: ACMG Guidelines, 2015. Collection method: clinical testing. Allele origin: de novo. Affected: yes.
Comment: PS2, PM2, PM5, PP3 - Low frequency in gnomAD population databases. In silico prediction tools estimated that the variant could be damaging for the protein function/stracture. The variant was detected de-novo (paternity confirmed).